The following is an entry in ClinVar:

NM_203290.4(POLR1C):c.177C>A (p.Asn59Lys)

Gene: POLR1C (RNA polymerase I and III subunit C; plus strand). Cytogenetic location: 6p21.1.
Variant type: single nucleotide variant.
Coding change: c.177C>A on transcript NM_203290.4 (MANE Select); coding-DNA position 177, C replaced by A.
Protein change: p.Asn59Lys; replaces asparagine 59 with lysine.
Molecular consequence: missense variant.
Genome position (GRCh38, 1-based): chr6:43,519,368, C>A. VCF-style: chr6-43519368-C-A. GRCh37 (hg19) VCF-style: chr6-43487106-C-A.
Other names: c.177C>A, p.Asn59Lys (NM_001318876.2, NM_001363658.2); short protein forms N59K.
Identifiers: ClinVar variation 1370604 (VCV001370604.7), dbSNP rs1464384835, ClinGen allele CA364281011.

ClinVar aggregate classification (germline): Uncertain significance. Review status: criteria provided, multiple submitters, no conflicts (2 of 4 stars). 2 submissions from 2 submitters: Uncertain significance (2). Last evaluated 2023-11-16.

Allele frequency attached by ClinVar (database versions not stated): gnomAD 0.00001; gnomAD exomes 0.00001; TOPMed 0.00001.
gnomAD v4.1: 8 of 1,613,632 alleles (0.0005%); highest among the groups gnomAD compares: Non-Finnish European, 0.00068%; no homozygotes.

Submissions (2):

Blueprint Genetics
Classification: Uncertain significance. Last evaluated: 2023-11-16. Review status: criteria provided, single submitter. Criteria: ACMG Guidelines, 2015. Collection method: clinical testing. Allele origin: germline.

Labcorp Genetics (formerly Invitae), Labcorp
Classification: Uncertain significance. Last evaluated: 2021-12-02. Review status: criteria provided, single submitter. Criteria: Invitae Variant Classification Sherloc (09022015). Collection method: clinical testing. Allele origin: germline.
Comment: In summary, the available evidence is currently insufficient to determine the role of this variant in disease. Therefore, it has been classified as a Variant of Uncertain Significance. Algorithms developed to predict the effect of missense changes on protein structure and function are either unavailable or do not agree on the potential impact of this missense change (SIFT: "Not Available"; PolyPhen-2: "Benign"; Align-GVGD: "Not Available"). This variant has not been reported in the literature in individuals affected with POLR1C-related conditions. This variant is not present in population databases (gnomAD no frequency). This sequence change replaces asparagine with lysine at codon 59 of the POLR1C protein (p.Asn59Lys). The asparagine residue is weakly conserved and there is a moderate physicochemical difference between asparagine and lysine.